The following is an entry in ClinVar:

ClinVar aggregate classification (germline): Uncertain significance (1 of 4 stars; one submission).

gnomAD v4.1: 1 of 1,614,230 alleles (0.000062%); no homozygotes.

Submission:

Labcorp Genetics (formerly Invitae), Labcorp
Classification: Uncertain significance. Last evaluated: 2021-11-12. Review status: criteria provided, single submitter. Criteria: Invitae Variant Classification Sherloc (09022015). Collection method: clinical testing. Allele origin: germline.
Comment: This variant is not present in population databases (gnomAD no frequency). This sequence change replaces isoleucine, which is neutral and non-polar, with valine, which is neutral and non-polar, at codon 190 of the BACH2 protein (p.Ile190Val). This variant has not been reported in the literature in individuals affected with BACH2-related conditions. In summary, the available evidence is currently insufficient to determine the role of this variant in disease. Therefore, it has been classified as a Variant of Uncertain Significance. Algorithms developed to predict the effect of missense changes on protein structure and function (SIFT, PolyPhen-2, Align-GVGD) all suggest that this variant is likely to be tolerated.

NM_021813.4(BACH2):c.568A>G (p.Ile190Val)

Gene: BACH2 (BACH transcriptional regulator 2; minus strand). Cytogenetic location: 6q15.
Variant type: single nucleotide variant.
Coding change: c.568A>G on transcript NM_021813.4 (MANE Select); coding-DNA position 568, A replaced by G.
Protein change: p.Ile190Val; replaces isoleucine 190 with valine.
Molecular consequence: missense variant.
Genome position (GRCh38, 1-based): chr6:89,951,538, T>C on the plus strand (A>G on the coding strand, the complement: BACH2 is on the minus strand). VCF-style: chr6-89951538-T-C. GRCh37 (hg19) VCF-style: chr6-90661257-T-C.
Other names: c.568A>G, p.Ile190Val (NM_001170794.2); short protein forms I190V.
Identifiers: ClinVar variation 1488413 (VCV001488413.6), dbSNP rs934423773, ClinGen allele CA143342193.
Genomic context (GRCh38, chr6:89,951,538, plus strand): 5'-GCTCGGGCAGCAGGGCTTCTTCCTTCTCTGCTACGGGGATGGCGGCGGCCTCAAAGCTGA[T>C]GGGCTCTGGAAGCATCTGGTCCCTGGGGCAAGCCATCTTGGCCGTCTCTGAATCCATCGT-3'
Protein context (NP_068585.1, residues 180-200): CPRDQMLPEP[Ile190Val]SFEAAAIPVA